The following is an entry in ClinVar:

NC_000009.11:g.(?_80851267)_(80858572_?)del

Gene: CEP78 (centrosomal protein 78; plus strand). Cytogenetic location: 9q21.2.
Variant type: Deletion.
Identifiers: ClinVar variation 1072532 (VCV001072532.6).

ClinVar aggregate classification (germline): Pathogenic (1 of 4 stars; one submission).

Submission:

Labcorp Genetics (formerly Invitae), Labcorp
Classification: Pathogenic. Last evaluated: 2023-11-19. Review status: criteria provided, single submitter. Criteria: Invitae Variant Classification Sherloc (09022015). Collection method: clinical testing. Allele origin: germline.
Comment: This variant is a gross deletion of the genomic region encompassing exon(s) 1-5 of the CEP78 gene, which includes the initiator codon. This deletion extends beyond the assayed region for this gene and therefore may encompass additional genes. It is expected to result in an absent or disrupted protein product. Loss-of-function variants in CEP78 are known to be pathogenic (PMID: 27588451, 27588452, 27627988). This variant has not been reported in the literature in individuals affected with CEP78-related conditions. For these reasons, this variant has been classified as Pathogenic.

Literature cited by the submitters: PubMed 27588451; PubMed 27588452; PubMed 27627988.